The following is an entry in ClinVar:

NM_206933.4(USH2A):c.6929C>G (p.Thr2310Arg)

Gene: USH2A (usherin; minus strand). Cytogenetic location: 1q41.
Variant type: single nucleotide variant.
Coding change: c.6929C>G on transcript NM_206933.4 (MANE Select); coding-DNA position 6929, C replaced by G.
Protein change: p.Thr2310Arg; replaces threonine 2310 with arginine.
Molecular consequence: missense variant.
Genome position (GRCh38, 1-based): chr1:215,970,653, G>C on the plus strand (C>G on the coding strand, the complement: USH2A is on the minus strand). VCF-style: chr1-215970653-G-C. GRCh37 (hg19) VCF-style: chr1-216143995-G-C.
Other names: short protein forms T2310R.
Identifiers: ClinVar variation 2911126 (VCV002911126.4), dbSNP rs151057466, ClinGen allele CA344853953.

ClinVar aggregate classification (germline): Conflicting classifications of pathogenicity. Review status: criteria provided, conflicting classifications (1 of 4 stars). 2 submissions from 2 submitters: Likely pathogenic (1); Uncertain significance (1). Last evaluated 2025-08-11.

Submissions (2):

Labcorp Genetics (formerly Invitae), Labcorp
Classification: Likely pathogenic. Last evaluated: 2025-08-11. Review status: criteria provided, single submitter. Criteria: Invitae Variant Classification Sherloc (09022015). Collection method: clinical testing. Allele origin: germline.
Comment: This sequence change replaces threonine, which is neutral and polar, with arginine, which is basic and polar, at codon 2310 of the USH2A protein (p.Thr2310Arg). This variant is not present in population databases (gnomAD no frequency). This missense change has been observed in individual(s) with retinitis pigmentosa (internal data). ClinVar contains an entry for this variant (Variation ID: 2911126). Invitae Evidence Modeling of protein sequence and biophysical properties (such as structural, functional, and spatial information, amino acid conservation, physicochemical variation, residue mobility, and thermodynamic stability) indicates that this missense variant is expected to disrupt USH2A protein function with a positive predictive value of 95%. This variant disrupts the p.Thr2310 amino acid residue in USH2A. Other variant(s) that disrupt this residue have been determined to be pathogenic (PMID: 30733538, 31054281, 32188678, 32675063). This suggests that this residue is clinically significant, and that variants that disrupt this residue are likely to be disease-causing. In summary, the currently available evidence indicates that the variant is pathogenic, but additional data are needed to prove that conclusively. Therefore, this variant has been classified as Likely Pathogenic.

Blueprint Genetics
Classification: Uncertain significance. Last evaluated: 2022-08-26. Review status: criteria provided, single submitter. Criteria: ACMG Guidelines, 2015. Collection method: clinical testing. Allele origin: germline.

Literature cited by the submitters: PubMed 30733538 (cited by Labcorp Genetics (formerly Invitae), Labcorp); PubMed 31054281 (cited by Labcorp Genetics (formerly Invitae), Labcorp); PubMed 32188678 (cited by Labcorp Genetics (formerly Invitae), Labcorp); PubMed 32675063 (cited by Labcorp Genetics (formerly Invitae), Labcorp).